The following is an entry in ClinVar:

ClinVar aggregate classification (germline): Conflicting classifications of pathogenicity. Review status: criteria provided, conflicting classifications (1 of 4 stars). 6 submissions from 6 submitters: Uncertain significance (2); Likely benign (4). Last evaluated 2026-05-22.

Conditions:
SBF2-related disorder. Also called: SBF2-related condition.
Inborn genetic diseases. Identifiers: MedGen C0950123, MeSH D030342.
Charcot-Marie-Tooth disease type 4. Also called: Charcot-Marie-Tooth disease, type IV; Charcot-Marie-Tooth, Type 4. Identifiers: Orphanet 64749, MedGen C4082197, MONDO:0018995.
Charcot-Marie-Tooth disease type 4B2. Also called: CHARCOT-MARIE-TOOTH DISEASE, DEMYELINATING, TYPE 4B2; Charcot-Marie-Tooth Neuropathy Type 4B2; CHARCOT-MARIE-TOOTH DISEASE, WITH FOCALLY FOLDED MYELIN SHEATHS, AUTOSOMAL RECESSIVE, TYPE 4B2; CMT 4B2. Identifiers: Orphanet 99956, MedGen C1858278, MONDO:0011475, OMIM 604563.

Allele frequency attached by ClinVar (database versions not stated): ExAC 0.00003; gnomAD 0.00003 and 0.00004; TOPMed 0.00003; gnomAD exomes 0.00005 and 0.00012.
gnomAD v4.1: 170 of 1,610,608 alleles (0.011%); highest among the groups gnomAD compares: Non-Finnish European, 0.014%; no homozygotes.

Submissions (6):

PreventionGenetics, part of Exact Sciences
Classification: Likely benign for SBF2-related condition. Last evaluated: 2026-05-22. Review status: criteria provided, single submitter. Criteria: ACMG Guidelines, 2015. Collection method: clinical testing. Allele origin: germline.
Comment: This variant is classified as likely benign based on ACMG/AMP sequence variant interpretation guidelines (Richards et al. 2015 PMID: 25741868, with internal and published modifications).

Labcorp Genetics (formerly Invitae), Labcorp
Classification: Likely benign for Charcot-Marie-Tooth disease type 4. Last evaluated: 2025-12-17. Review status: criteria provided, single submitter. Criteria: Invitae Variant Classification Sherloc (09022015). Collection method: clinical testing. Allele origin: germline.

Athena Diagnostics
Classification: Uncertain significance. Last evaluated: 2021-09-09. Review status: criteria provided, single submitter. Criteria: Athena Diagnostics Criteria. Collection method: clinical testing. Allele origin: unknown.

GeneDx
Classification: Likely benign. Last evaluated: 2020-02-26. Review status: criteria provided, single submitter. Criteria: GeneDx Variant Classification Process June 2021. Collection method: clinical testing. Allele origin: germline. Affected: yes.

Ambry Genetics
Classification: Likely benign for Inborn genetic diseases. Last evaluated: 2019-07-11. Review status: criteria provided, single submitter. Criteria: Ambry Variant Classification Scheme 2023. Collection method: clinical testing. Allele origin: germline.

Illumina Laboratory Services, Illumina
Classification: Uncertain significance for Charcot-Marie-Tooth disease type 4B2. Last evaluated: 2018-01-12. Review status: criteria provided, single submitter. Criteria: ICSL Variant Classification Criteria 13 December 2019. Collection method: clinical testing. Allele origin: germline.

NM_030962.4(SBF2):c.129G>A (p.Gln43=)

Gene: SBF2 (SET binding factor 2; minus strand). Cytogenetic location: 11p15.4.
Variant type: single nucleotide variant.
Coding change: c.129G>A on transcript NM_030962.4 (MANE Select); coding-DNA position 129, G replaced by A.
Protein change: p.Gln43=; no amino-acid change (glutamine 43 retained).
Molecular consequence: synonymous variant.
Genome position (GRCh38, 1-based): chr11:10,193,914, C>T on the plus strand (G>A on the coding strand, the complement: SBF2 is on the minus strand). VCF-style: chr11-10193914-C-T. GRCh37 (hg19) VCF-style: chr11-10215461-C-T.
Other names: c.129G>A, p.Gln43= (NM_001386339.1, NM_001386342.1).
Identifiers: ClinVar variation 301928 (VCV000301928.18), dbSNP rs761285505, ClinGen allele CA5882217.